The following is an entry in ClinVar:

ClinVar aggregate classification (germline): Likely benign (1 of 4 stars; one submission).

Submission:

CeGaT Center for Human Genetics Tuebingen
Classification: Likely benign. Last evaluated: 2024-09-01. Review status: criteria provided, single submitter. Criteria: CeGaT Center For Human Genetics Tuebingen Variant Classification Criteria Version 2. Collection method: clinical testing. Allele origin: germline. Affected: yes. Observed: 2 variant alleles.
Comment: MEF2A: BS2

NM_001319206.4(MEF2A):c.1284GCC[2] (p.Pro433del)

Gene: MEF2A (myocyte enhancer factor 2A; plus strand). Cytogenetic location: 15q26.3.
Variant type: Microsatellite.
Coding change: c.1284GCC[2] on transcript NM_001319206.4 (MANE Select); two copies in a row of the 3-base unit GCC starting at c.1284; the reference has three copies in a row; one copy, 3 bases deleted.
Protein change: p.Pro433del; deletes proline 433.
Molecular consequence: inframe deletion.
Genome position (GRCh38, 1-based): chr15:99,712,543-99,712,545, GCC deleted; deleting any 3 consecutive bases within chr15:99,712,537-99,712,545 gives the same sequence; the position shown is the placement nearest the transcript's 3' end. VCF-style (leftmost placement, unchanged base first): chr15-99712536-AGCC-A. GRCh37 (hg19) VCF-style: chr15-100252741-AGCC-A.
Other names: c.1266GCC[2], p.Pro427del (NM_001400049.1, NM_001400050.1, NM_001400051.1 and 8 more transcripts); c.1260GCC[2], p.Pro425del (NM_001400054.1, NM_001400055.1, NM_001400056.1 and 15 more transcripts); c.1080GCC[2], p.Pro365del (NM_001130927.5, NM_001365209.3); c.1056GCC[2], p.Pro357del (NM_001130928.4, NM_001393559.2); c.1284GCC[2], p.Pro433del (NM_001352616.4, NM_001365205.3, NM_001400031.1 and 5 more transcripts); c.1278GCC[2], p.Pro431del (NM_001352618.4, NM_001365206.3, NM_001400037.1); c.1302GCC[2], p.Pro439del (NM_001365201.3, NM_001365202.3); c.1290GCC[2], p.Pro435del (NM_001365203.3, NM_001365204.3, NM_001400029.1 and 1 more transcripts); and 6 more; short protein forms P157del, P313del, P320del, P357del, P359del, P365del, P367del, P425del.
Identifiers: ClinVar variation 3250510 (VCV003250510.18), dbSNP rs759657998.